The following is an entry in ClinVar:

NM_015426.5(POC1A):c.564-1G>T

Gene: POC1A (POC1 centriolar protein A; minus strand). Cytogenetic location: 3p21.2.
Variant type: single nucleotide variant.
Coding change: c.564-1G>T on transcript NM_015426.5 (MANE Select); the canonical splice acceptor site of the intron before coding-DNA position 564, G replaced by T.
Molecular consequence: splice acceptor variant.
Genome position (GRCh38, 1-based): chr3:52,145,962, C>A on the plus strand (G>T on the coding strand, the complement: POC1A is on the minus strand). VCF-style: chr3-52145962-C-A. GRCh37 (hg19) VCF-style: chr3-52179978-C-A.
Other names: c.564-1G>T (NM_001161580.2); c.450-1G>T (NM_001161581.2).
Identifiers: ClinVar variation 5006652 (VCV005006652.2).
Genomic context (GRCh38, chr3:52,145,962, plus strand): 5'-TCCATGCCGGCAGCGGCAATGCACGTCCCACTGGGGTGGAAGTCCACATAGGTGACAAAG[C>A]TGGAAAGACAGGGGCCACTATGCACTATAGGAGGTCTGCCCTGGTTCAGGACGGACCCAG-3'

ClinVar aggregate classification (germline): Likely pathogenic (1 of 4 stars; one submission).

Conditions:
Short stature-onychodysplasia-facial dysmorphism-hypotrichosis syndrome. Also called: SOFT SYNDROME; Short stature, onychodysplasia, facial dysmorphism, and hypotrichosis. Identifiers: Orphanet 314394, MedGen C3542022, MONDO:0013894, OMIM 614813.

Submission:

Juno Genomics, Hangzhou Juno Genomics, Inc
Classification: Likely pathogenic for Short stature-onychodysplasia-facial dysmorphism-hypotrichosis syndrome. Review status: criteria provided, single submitter. Criteria: ACMG Guidelines, 2015. Collection method: clinical testing. Allele origin: germline.
Comment: Null variant in a gene where loss of function (LOF) is a known mechanism of disease.;Absent from controls (or at extremely low frequency if recessive) in Genome Aggregation Database.